The following is an entry in ClinVar:

NM_025103.4(IFT74):c.1227G>A (p.Gln409=)

Gene: IFT74 (intraflagellar transport 74; plus strand). Cytogenetic location: 9p21.2.
Variant type: single nucleotide variant.
Coding change: c.1227G>A on transcript NM_025103.4 (MANE Select); coding-DNA position 1227, G replaced by A.
Protein change: p.Gln409=; no amino-acid change (glutamine 409 retained).
Molecular consequence: synonymous variant.
Genome position (GRCh38, 1-based): chr9:27,048,168, G>A. VCF-style: chr9-27048168-G-A. GRCh37 (hg19) VCF-style: chr9-27048166-G-A.
Other names: c.1227G>A, p.Gln409= (NM_001099222.3, NM_001099223.3, NM_001349928.2).
Identifiers: ClinVar variation 3029249 (VCV003029249.3), dbSNP rs1564001438, ClinGen allele CA464169112.

ClinVar aggregate classification (germline): Likely benign. Review status: criteria provided, single submitter (1 of 4 stars). 2 submissions from 2 submitters: Likely benign (1). 1 of the submissions does not count toward it. Last evaluated 2025-03-31.

Conditions:
IFT74-related disorder. Also called: IFT74-Related Disorders; IFT74-related condition.

Allele frequency attached by ClinVar (database versions not stated): gnomAD exomes 0.00001.
gnomAD v4.1: 11 of 1,596,622 alleles (0.00069%); highest among the groups gnomAD compares: Non-Finnish European, 0.00086%; no homozygotes.

Submissions (2):

Labcorp Genetics (formerly Invitae), Labcorp
Classification: Likely benign. Last evaluated: 2025-03-31. Review status: criteria provided, single submitter. Criteria: Invitae Variant Classification Sherloc (09022015). Collection method: clinical testing. Allele origin: germline.

PreventionGenetics, part of Exact Sciences
Classification: Likely benign for IFT74-related condition. Last evaluated: 2021-06-09. Review status: no assertion criteria provided. Collection method: clinical testing. Allele origin: germline. Not counted in ClinVar's aggregate classification.
Comment: This variant is classified as likely benign based on ACMG/AMP sequence variant interpretation guidelines (Richards et al. 2015 PMID: 25741868, with internal and published modifications).